The following is an entry in ClinVar:

ClinVar aggregate classification (germline): Uncertain significance. Review status: criteria provided, multiple submitters, no conflicts (2 of 4 stars). 3 submissions from 3 submitters: Uncertain significance (3). Last evaluated 2025-08-19.

Conditions:
Cystic fibrosis (CF). Also called: MUCOVISCIDOSIS. Identifiers: Orphanet 586, MedGen C0010674, MONDO:0009061, OMIM 219700. Disease mechanism: loss of function.
CFTR-related disorder (CFTR-RD). Also called: CFTR-related disorders; CFTR-related condition. Identifiers: MedGen C5924204, MONDO:7770004.

Allele frequency attached by ClinVar (database versions not stated): gnomAD 0.00001.
gnomAD v4.1: 1 of 1,521,386 alleles (0.000066%); highest among the groups gnomAD compares: African/African-American, 0.0014%; no homozygotes.

Submissions (3):

Labcorp Genetics (formerly Invitae), Labcorp
Classification: Uncertain significance for Cystic fibrosis. Last evaluated: 2025-08-19. Review status: criteria provided, single submitter. Criteria: Invitae Variant Classification Sherloc (09022015). Collection method: clinical testing. Allele origin: germline.
Comment: This sequence change replaces valine, which is neutral and non-polar, with methionine, which is neutral and non-polar, at codon 794 of the CFTR protein (p.Val794Met). This variant is not present in population databases (gnomAD no frequency). This variant has not been reported in the literature in individuals affected with CFTR-related conditions. ClinVar contains an entry for this variant (Variation ID: 619675). Invitae Evidence Modeling of protein sequence and biophysical properties (such as structural, functional, and spatial information, amino acid conservation, physicochemical variation, residue mobility, and thermodynamic stability) indicates that this missense variant is not expected to disrupt CFTR protein function with a negative predictive value of 80%. In summary, the available evidence is currently insufficient to determine the role of this variant in disease. Therefore, it has been classified as a Variant of Uncertain Significance.

PreventionGenetics, part of Exact Sciences
Classification: Uncertain significance for CFTR-related condition. Last evaluated: 2023-02-23. Review status: criteria provided, single submitter. Criteria: ACMG Guidelines, 2015. Collection method: clinical testing. Allele origin: germline.
Comment: The CFTR c.2380G>A variant is predicted to result in the amino acid substitution p.Val794Met. To our knowledge, this variant has not been reported in the literature or in a large population database, indicating this variant is rare. At this time, the clinical significance of this variant is uncertain due to the absence of conclusive functional and genetic evidence.

Quest Diagnostics Nichols Institute San Juan Capistrano
Classification: Uncertain significance. Last evaluated: 2018-07-31. Review status: criteria provided, single submitter. Criteria: Quest Diagnostics criteria. Collection method: clinical testing. Allele origin: germline.

NM_000492.4(CFTR):c.2380G>A (p.Val794Met)

Gene: CFTR (CF transmembrane conductance regulator; plus strand). Cytogenetic location: 7q31.2.
Variant type: single nucleotide variant.
Coding change: c.2380G>A on transcript NM_000492.4 (MANE Select); coding-DNA position 2380, G replaced by A.
Protein change: p.Val794Met; replaces valine 794 with methionine.
Molecular consequence: missense variant.
Genome position (GRCh38, 1-based): chr7:117,592,547, G>A. VCF-style: chr7-117592547-G-A. GRCh37 (hg19) VCF-style: chr7-117232601-G-A.
Other names: short protein forms V794M.
Identifiers: ClinVar variation 619675 (VCV000619675.4), dbSNP rs1457489949, ClinGen allele CA368981090.